The following is an entry in ClinVar:

ClinVar aggregate classification (germline): Uncertain significance (1 of 4 stars; one submission).

Conditions:
Familial thoracic aortic aneurysm and aortic dissection (TAAD). Also called: Thoracic aortic aneurysms and dissections. Identifiers: Orphanet 91387, MedGen C4707243, MONDO:0019625.

Allele frequency attached by ClinVar (database versions not stated): gnomAD exomes below 0.00001; gnomAD 0.00001.

Submission:

Ambry Genetics
Classification: Uncertain significance for Familial thoracic aortic aneurysm and aortic dissection. Last evaluated: 2021-10-29. Review status: criteria provided, single submitter. Criteria: Ambry Variant Classification Scheme 2023. Collection method: clinical testing. Allele origin: germline.
Comment: The p.R229Q variant (also known as c.686G>A), located in coding exon 2 of the SLC2A10 gene, results from a G to A substitution at nucleotide position 686. The arginine at codon 229 is replaced by glutamine, an amino acid with highly similar properties. This amino acid position is conserved. In addition, this alteration is predicted to be tolerated by in silico analysis. Since supporting evidence is limited at this time, the clinical significance of this alteration remains unclear.

NM_030777.4(SLC2A10):c.686G>A (p.Arg229Gln)

Gene: SLC2A10 (solute carrier family 2 member 10; plus strand). Cytogenetic location: 20q13.12.
Variant type: single nucleotide variant.
Coding change: c.686G>A on transcript NM_030777.4 (MANE Select); coding-DNA position 686, G replaced by A.
Protein change: p.Arg229Gln; replaces arginine 229 with glutamine.
Molecular consequence: missense variant.
Genome position (GRCh38, 1-based): chr20:46,725,722, G>A. VCF-style: chr20-46725722-G-A. GRCh37 (hg19) VCF-style: chr20-45354361-G-A.
Other names: short protein forms R229Q.
Identifiers: ClinVar variation 1755884 (VCV001755884.2), dbSNP rs1568985841, ClinGen allele CA409267822.